The following is an entry in ClinVar:

ClinVar aggregate classification (germline): Uncertain significance (1 of 4 stars; one submission).

gnomAD v4.1: 2 of 1,614,188 alleles (0.00012%); highest among the groups gnomAD compares: African/African-American, 0.0013%; no homozygotes.

Submission:

Labcorp Genetics (formerly Invitae), Labcorp
Classification: Uncertain significance. Last evaluated: 2025-10-24. Review status: criteria provided, single submitter. Criteria: Invitae Variant Classification Sherloc (09022015). Collection method: clinical testing. Allele origin: germline.
Comment: This sequence change replaces proline, which is neutral and non-polar, with leucine, which is neutral and non-polar, at codon 76 of the ARHGEF10 protein (p.Pro76Leu). This variant is present in population databases (rs767664793, gnomAD 0.0009%). This variant has not been reported in the literature in individuals affected with ARHGEF10-related conditions. An algorithm developed to predict the effect of missense changes on protein structure and function (PolyPhen-2) suggests that this variant is likely to be tolerated. In summary, the available evidence is currently insufficient to determine the role of this variant in disease. Therefore, it has been classified as a Variant of Uncertain Significance.

NM_014629.4(ARHGEF10):c.227C>T (p.Pro76Leu)

Gene: ARHGEF10 (Rho guanine nucleotide exchange factor 10; plus strand). Cytogenetic location: 8p23.3.
Variant type: single nucleotide variant.
Coding change: c.227C>T on transcript NM_014629.4 (MANE Select); coding-DNA position 227, C replaced by T.
Protein change: p.Pro76Leu; replaces proline 76 with leucine.
Molecular consequence: missense variant.
Genome position (GRCh38, 1-based): chr8:1,859,930, C>T. VCF-style: chr8-1859930-C-T. GRCh37 (hg19) VCF-style: chr8-1808096-C-T.
Other names: c.227C>T, p.Pro76Leu (NM_001308152.2, NM_001308153.3, NM_001438091.1 and 3 more transcripts); short protein forms P100L, P76L.
Identifiers: ClinVar variation 4723923 (VCV004723923.1).